The following is an entry in ClinVar:

ClinVar aggregate classification (germline): Uncertain significance. Review status: criteria provided, multiple submitters, no conflicts (2 of 4 stars). 7 submissions from 7 submitters: Uncertain significance (7). Last evaluated 2026-01-14.

Conditions:
Hereditary cancer-predisposing syndrome. Also called: Neoplastic Syndromes, Hereditary; Hereditary neoplastic syndrome; Hereditary Cancer Syndrome; Tumor predisposition. Identifiers: Orphanet 140162, MedGen C0027672, MeSH D009386, MONDO:0015356.
POLD1-related polyposis and colorectal cancer syndrome (CRCS10). Also called: Colorectal cancer, susceptibility to, 10; Colorectal cancer 10; COLORECTAL CANCER, SUSCEPTIBILITY TO, ON CHROMOSOME 19q. Identifiers: Orphanet 220460, MedGen C2675481, MONDO:0012953, OMIM 612591.

Allele frequency attached by ClinVar (database versions not stated): gnomAD 0.00001 and 0.00002; TOPMed 0.00003; gnomAD exomes 0.00007; ESP Exome Variant Server 0.00008; ExAC 0.00010.
gnomAD v4.1: 21 of 1,560,520 alleles (0.0013%); highest among the groups gnomAD compares: East Asian, 0.0093%; no homozygotes.

Submissions (7):

Labcorp Genetics (formerly Invitae), Labcorp
Classification: Uncertain significance for POLD1-related polyposis and colorectal cancer syndrome. Last evaluated: 2026-01-14. Review status: criteria provided, single submitter. Criteria: Invitae Variant Classification Sherloc (09022015). Collection method: clinical testing. Allele origin: germline.
Comment: This sequence change replaces alanine, which is neutral and non-polar, with threonine, which is neutral and polar, at codon 930 of the POLD1 protein (p.Ala930Thr). The frequency data for this variant in the population databases is considered unreliable, as metrics indicate poor data quality at this position in the gnomAD database. This variant has not been reported in the literature in individuals affected with POLD1-related conditions. ClinVar contains an entry for this variant (Variation ID: 408041). Invitae Evidence Modeling of protein sequence and biophysical properties (such as structural, functional, and spatial information, amino acid conservation, physicochemical variation, residue mobility, and thermodynamic stability) indicates that this missense variant is not expected to disrupt POLD1 protein function with a negative predictive value of 80%. In summary, the available evidence is currently insufficient to determine the role of this variant in disease. Therefore, it has been classified as a Variant of Uncertain Significance.

Center for Genomic Medicine, Rigshospitalet, Copenhagen University Hospital
Classification: Uncertain significance. Last evaluated: 2025-12-29. Review status: criteria provided, single submitter. Criteria: ACMG Guidelines, 2015. Collection method: clinical testing. Allele origin: germline.

Ambry Genetics
Classification: Uncertain significance for Hereditary cancer-predisposing syndrome. Last evaluated: 2025-09-01. Review status: criteria provided, single submitter. Criteria: Ambry Variant Classification Scheme 2023. Collection method: clinical testing. Allele origin: germline.

GeneDx
Classification: Uncertain significance. Last evaluated: 2024-11-03. Review status: criteria provided, single submitter. Criteria: GeneDx Variant Classification Process June 2021. Collection method: clinical testing. Allele origin: germline. Affected: yes.
Comment: In silico analysis indicates that this missense variant does not alter protein structure/function; Has not been previously published as pathogenic or benign to our knowledge

Institute for Clinical Genetics, University Hospital TU Dresden, University Hospital TU Dresden
Classification: Uncertain significance. Last evaluated: 2021-11-03. Review status: criteria provided, single submitter. Criteria: ACMG Guidelines, 2015. Collection method: clinical testing. Allele origin: germline.

Sema4
Classification: Uncertain significance for Hereditary cancer-predisposing syndrome. Last evaluated: 2021-04-04. Review status: criteria provided, single submitter. Criteria: Sema4 Curation Guidelines. Collection method: curation. Allele origin: germline.
Comment: To the best of our knowledge, the POLD1 c.2788G>A (p.A930T) variant has not been reported in individuals with POLD1-related disease. This variant was observed in 6/14332 chromosomes in the East Asian population according to the Genome Aggregation Database (PMID: 32461654). This variant has been reported in ClinVar (Variation ID: 408041). In silico tools suggest the impact of the variant on protein function is benign, though these predictions have not been confirmed by functional studies.The overall evidence is inconsistent with ACMG/AMP requirements for a classification of benign or pathogenic. In summary, the clinical significance of this variant is currently uncertain.

Quest Diagnostics Nichols Institute San Juan Capistrano
Classification: Uncertain significance. Last evaluated: 2019-09-23. Review status: criteria provided, single submitter. Criteria: Quest Diagnostics criteria. Collection method: clinical testing. Allele origin: unknown.

Literature cited by the submitters: PubMed 30185652 (cited by Quest Diagnostics Nichols Institute San Juan Capistrano).

NM_002691.4(POLD1):c.2788G>A (p.Ala930Thr)

Gene: POLD1 (DNA polymerase delta 1, catalytic subunit; plus strand). Cytogenetic location: 19q13.33.
Variant type: single nucleotide variant.
Coding change: c.2788G>A on transcript NM_002691.4 (MANE Select); coding-DNA position 2788, G replaced by A.
Protein change: p.Ala930Thr; replaces alanine 930 with threonine.
Molecular consequence: missense variant.
Genome position (GRCh38, 1-based): chr19:50,415,794, G>A. VCF-style: chr19-50415794-G-A. GRCh37 (hg19) VCF-style: chr19-50919051-G-A.
Other names: c.2788G>A, p.Ala930Thr (LRG_785t1, NM_001256849.1); c.2866G>A, p.Ala956Thr (LRG_785t2, NM_001308632.1); c.2788G>A (NM_002691.2); short protein forms A930T, A956T.
Identifiers: ClinVar variation 408041 (VCV000408041.21), dbSNP rs144111108, ClinGen allele CA9596657.